The following is an entry in ClinVar:

NM_021098.3(CACNA1H):c.6299A>T (p.Glu2100Val)

Gene: CACNA1H (calcium voltage-gated channel subunit alpha1 H; plus strand). Cytogenetic location: 16p13.3.
Variant type: single nucleotide variant.
Coding change: c.6299A>T on transcript NM_021098.3 (MANE Select); coding-DNA position 6299, A replaced by T.
Protein change: p.Glu2100Val; replaces glutamic acid 2100 with valine.
Molecular consequence: missense variant.
Genome position (GRCh38, 1-based): chr16:1,220,231, A>T. VCF-style: chr16-1220231-A-T. GRCh37 (hg19) VCF-style: chr16-1270231-A-T.
Other names: c.6281A>T, p.Glu2094Val (NM_001005407.2); short protein forms E2094V, E2100V.
Identifiers: ClinVar variation 1316314 (VCV001316314.2), dbSNP rs2141408068, ClinGen allele CA394149464.
Genomic context (GRCh38, chr16:1,220,231, plus strand): 5'-CCAGCCGGCCGGCGGCCCCAGGCGGAGAGGAGGCCGAGGCCTCGGACCCAGCCGACGAGG[A>T]GGTCAGCCACATCACCAGCTCCGCCTGCCCCTGGCAGCCCACAGCCGAGCCCCATGGCCC-3'
Protein context (NP_066921.2, residues 2090-2110): EAEASDPADE[Glu2100Val]VSHITSSACP

ClinVar aggregate classification (germline): Uncertain significance (1 of 4 stars; one submission).

Allele frequency attached by ClinVar (database versions not stated): gnomAD exomes 0.00001.

Submission:

GeneDx
Classification: Uncertain significance. Last evaluated: 2020-09-02. Review status: criteria provided, single submitter. Criteria: GeneDx Variant Classification Process June 2021. Collection method: clinical testing. Allele origin: germline. Affected: yes.
Comment: Not observed in large population cohorts (Lek et al., 2016); In silico analysis supports that this missense variant has a deleterious effect on protein structure/function; Has not been previously published as pathogenic or benign to our knowledge